The following is an entry in ClinVar:

NM_001369268.1(ACAN):c.756G>A (p.Glu252=)

Gene: ACAN (aggrecan; plus strand). Cytogenetic location: 15q26.1.
Variant type: single nucleotide variant.
Coding change: c.756G>A on transcript NM_001369268.1 (MANE Select); coding-DNA position 756, G replaced by A.
Protein change: p.Glu252=; no amino-acid change (glutamic acid 252 retained).
Molecular consequence: synonymous variant.
Genome position (GRCh38, 1-based): chr15:88,841,866, G>A. VCF-style: chr15-88841866-G-A. GRCh37 (hg19) VCF-style: chr15-89385097-G-A.
Other names: c.756G>A, p.Glu252= (NM_001135.4, NM_001411096.1, NM_001411097.1 and 1 more transcripts).
Identifiers: ClinVar variation 2959987 (VCV002959987.3), dbSNP rs920232909, ClinGen allele CA492060855.

ClinVar aggregate classification (germline): Uncertain significance (1 of 4 stars; one submission).

Allele frequency attached by ClinVar (database versions not stated): gnomAD exomes below 0.00001.
gnomAD v4.1: 2 of 1,612,636 alleles (0.00012%); highest among the groups gnomAD compares: East Asian, 0.0022%; no homozygotes.

Submission:

Labcorp Genetics (formerly Invitae), Labcorp
Classification: Uncertain significance. Last evaluated: 2023-04-29. Review status: criteria provided, single submitter. Criteria: Invitae Variant Classification Sherloc (09022015). Collection method: clinical testing. Allele origin: germline.
Comment: In summary, the available evidence is currently insufficient to determine the role of this variant in disease. Therefore, it has been classified as a Variant of Uncertain Significance. Algorithms developed to predict the effect of sequence changes on RNA splicing suggest that this variant is not likely to affect RNA splicing. This variant has not been reported in the literature in individuals affected with ACAN-related conditions. This variant is present in population databases (no rsID available, gnomAD 0.0009%). This sequence change affects codon 252 of the ACAN mRNA. It is a 'silent' change, meaning that it does not change the encoded amino acid sequence of the ACAN protein. It affects a nucleotide within the consensus splice site.